The following is an entry in ClinVar:

ClinVar aggregate classification (germline): Pathogenic (1 of 4 stars; one submission).

Submission:

Labcorp Genetics (formerly Invitae), Labcorp
Classification: Pathogenic. Last evaluated: 2024-02-22. Review status: criteria provided, single submitter. Criteria: Invitae Variant Classification Sherloc (09022015). Collection method: clinical testing. Allele origin: germline.
Comment: This sequence change creates a premature translational stop signal (p.Asn763Lysfs*29) in the KIF11 gene. It is expected to result in an absent or disrupted protein product. Loss-of-function variants in KIF11 are known to be pathogenic (PMID: 22284827, 24281367). This variant is not present in population databases (gnomAD no frequency). This variant has not been reported in the literature in individuals affected with KIF11-related conditions. For these reasons, this variant has been classified as Pathogenic.

Literature cited by the submitters: PubMed 22284827; PubMed 24281367.

NM_004523.4(KIF11):c.2289_2310del (p.Asn763fs)

Gene: KIF11 (kinesin family member 11; plus strand). Cytogenetic location: 10q23.33.
Variant type: Deletion.
Coding change: c.2289_2310del on transcript NM_004523.4 (MANE Select); coding-DNA positions 2289 to 2310, 22 bases deleted (CAAAATGACTTTTCACAGTCAA).
Protein change: p.Asn763fs; shifts the reading frame from asparagine 763.
Molecular consequence: frameshift variant.
Genome position (GRCh38, 1-based): chr10:92,645,384-92,645,405, CAAAATGACTTTTCACAGTCAA deleted; deleting any 22 consecutive bases within chr10:92,645,378-92,645,405 gives the same sequence; the c. name uses the placement nearest the transcript's 3' end. VCF-style (leftmost placement, unchanged base first): chr10-92645377-TAGTCAACAAAATGACTTTTCAC-T. GRCh37 (hg19) VCF-style: chr10-94405134-TAGTCAACAAAATGACTTTTCAC-T.
Other names: short protein forms N763fs.
Identifiers: ClinVar variation 3642672 (VCV003642672.2).